The following is an entry in ClinVar:

ClinVar aggregate classification (germline): Uncertain significance. Review status: criteria provided, multiple submitters, no conflicts (2 of 4 stars). 2 submissions from 2 submitters: Uncertain significance (2). Last evaluated 2023-04-22.

Conditions:
Progressive microcephaly-seizures-cortical blindness-developmental delay syndrome. Also called: Seizures, cortical blindness, and microcephaly syndrome. Identifiers: Orphanet 477814, MedGen C5567650, MONDO:0014714, OMIM 616632.
Autosomal dominant nonsyndromic hearing loss 1. Also called: DEAFNESS, AUTOSOMAL DOMINANT 1, WITH OR WITHOUT THROMBOCYTOPENIA; KONIGSMARK SYNDROME. Identifiers: Orphanet 90635, MedGen C1852282, MONDO:0007424, OMIM 124900.

Submissions (2):

Labcorp Genetics (formerly Invitae), Labcorp
Classification: Uncertain significance for Progressive microcephaly-seizures-cortical blindness-developmental delay syndrome; Autosomal dominant nonsyndromic hearing loss 1. Last evaluated: 2023-04-22. Review status: criteria provided, single submitter. Criteria: Invitae Variant Classification Sherloc (09022015). Collection method: clinical testing. Allele origin: germline.
Comment: In summary, the available evidence is currently insufficient to determine the role of this variant in disease. Therefore, it has been classified as a Variant of Uncertain Significance. Experimental studies and prediction algorithms are not available or were not evaluated, and the functional significance of this variant is currently unknown. This variant has not been reported in the literature in individuals affected with DIAPH1-related conditions. This variant is not present in population databases (gnomAD no frequency). This sequence change replaces proline, which is neutral and non-polar, with arginine, which is basic and polar, at codon 634 of the DIAPH1 protein (p.Pro634Arg).

Blueprint Genetics
Classification: Uncertain significance. Last evaluated: 2019-10-09. Review status: criteria provided, single submitter. Criteria: ACMG Guidelines, 2015. Collection method: clinical testing. Allele origin: germline.

NM_005219.5(DIAPH1):c.1901C>G (p.Pro634Arg)

Gene: DIAPH1 (diaphanous related formin 1; minus strand). Cytogenetic location: 5q31.3.
Variant type: single nucleotide variant.
Coding change: c.1901C>G on transcript NM_005219.5 (MANE Select); coding-DNA position 1901, C replaced by G.
Protein change: p.Pro634Arg; replaces proline 634 with arginine.
Molecular consequence: missense variant.
Genome position (GRCh38, 1-based): chr5:141,573,949, G>C on the plus strand (C>G on the coding strand, the complement: DIAPH1 is on the minus strand). VCF-style: chr5-141573949-G-C. GRCh37 (hg19) VCF-style: chr5-140953516-G-C.
Other names: c.1874C>G, p.Pro625Arg (NM_001079812.3); c.1901C>G, p.Pro634Arg (NM_001314007.2); short protein forms P625R, P634R.
Identifiers: ClinVar variation 2933681 (VCV002933681.4), dbSNP rs1490207695, ClinGen allele CA361520164.
Genomic context (GRCh38, chr5:141,573,949, plus strand): 5'-GGTGGAGGGATGGTAGCATCCCCAGACAAAGGAGGGGGTGGAGAGATAGCAGTACCTCCA[G>C]GTAAAGAAGGGGGTGAGGAGATGCAAACACCCCCAGGCAAAGGAGGTGGAGGAGGAGGAG-3'
Protein context (NP_005210.3, residues 624-644): GVCISSPPSL[Pro634Arg]GGTAISPPPP